The following is an entry in ClinVar:

NM_000245.4(MET):c.764G>T (p.Ser255Ile)

Gene: MET (MET proto-oncogene, receptor tyrosine kinase; plus strand). Cytogenetic location: 7q31.2.
Variant type: single nucleotide variant.
Coding change: c.764G>T on transcript NM_000245.4 (MANE Select); coding-DNA position 764, G replaced by T.
Protein change: p.Ser255Ile; replaces serine 255 with isoleucine.
Molecular consequence: missense variant. On other transcripts: intron variant (1).
Genome position (GRCh38, 1-based): chr7:116,699,848, G>T. VCF-style: chr7-116699848-G-T. GRCh37 (hg19) VCF-style: chr7-116339902-G-T.
Other names: c.764G>T, p.Ser255Ile (NM_001127500.3, NM_001324401.3); c.-91+27271G>T (NM_001324402.2); short protein forms S255I.
Identifiers: ClinVar variation 960855 (VCV000960855.10), dbSNP rs1294994065, ClinGen allele CA368969800.

ClinVar aggregate classification (germline): Uncertain significance. Review status: criteria provided, multiple submitters, no conflicts (2 of 4 stars). 2 submissions from 2 submitters: Uncertain significance (2). Last evaluated 2026-03-06.

Conditions:
Renal cell carcinoma. Identifiers: Orphanet 217071, MedGen C0007134, MeSH D002292, MONDO:0005086, HP:0005584.
Hereditary cancer-predisposing syndrome. Also called: Tumor predisposition; Hereditary neoplastic syndrome; Hereditary Cancer Syndrome; Neoplastic Syndromes, Hereditary. Identifiers: Orphanet 140162, MedGen C0027672, MeSH D009386, MONDO:0015356.

Allele frequency attached by ClinVar (database versions not stated): gnomAD exomes below 0.00001.
gnomAD v4.1: 3 of 1,614,072 alleles (0.00019%); highest among the groups gnomAD compares: Non-Finnish European, 0.00017%; no homozygotes.

Submissions (2):

Ambry Genetics
Classification: Uncertain significance for Hereditary cancer-predisposing syndrome. Last evaluated: 2026-03-06. Review status: criteria provided, single submitter. Criteria: Ambry Variant Classification Scheme 2023. Collection method: clinical testing. Allele origin: germline.
Comment: The p.S255I variant (also known as c.764G>T), located in coding exon 1 of the MET gene, results from a G to T substitution at nucleotide position 764. The serine at codon 255 is replaced by isoleucine, an amino acid with dissimilar properties. This amino acid position is not well conserved in available vertebrate species. In addition, this alteration is predicted to be tolerated by in silico analysis. Based on the available evidence, the clinical significance of this variant remains unclear.

Labcorp Genetics (formerly Invitae), Labcorp
Classification: Uncertain significance for Renal cell carcinoma. Last evaluated: 2024-12-29. Review status: criteria provided, single submitter. Criteria: Invitae Variant Classification Sherloc (09022015). Collection method: clinical testing. Allele origin: germline.
Comment: This sequence change replaces serine, which is neutral and polar, with isoleucine, which is neutral and non-polar, at codon 255 of the MET protein (p.Ser255Ile). This variant is present in population databases (no rsID available, gnomAD 0.0009%). This variant has not been reported in the literature in individuals affected with MET-related conditions. ClinVar contains an entry for this variant (Variation ID: 960855). Invitae Evidence Modeling of protein sequence and biophysical properties (such as structural, functional, and spatial information, amino acid conservation, physicochemical variation, residue mobility, and thermodynamic stability) has been performed for this missense variant. However, the output from this modeling did not meet the statistical confidence thresholds required to predict the impact of this variant on MET protein function. In summary, the available evidence is currently insufficient to determine the role of this variant in disease. Therefore, it has been classified as a Variant of Uncertain Significance.